The following is an entry in ClinVar:

NM_005862.3(STAG1):c.1204C>T (p.His402Tyr)

Gene: STAG1 (STAG1 cohesin complex component; minus strand). Cytogenetic location: 3q22.3.
Variant type: single nucleotide variant.
Coding change: c.1204C>T on transcript NM_005862.3 (MANE Select); coding-DNA position 1204, C replaced by T.
Protein change: p.His402Tyr; replaces histidine 402 with tyrosine.
Molecular consequence: missense variant.
Genome position (GRCh38, 1-based): chr3:136,472,414, G>A on the plus strand (C>T on the coding strand, the complement: STAG1 is on the minus strand). VCF-style: chr3-136472414-G-A. GRCh37 (hg19) VCF-style: chr3-136191256-G-A.
Other names: short protein forms H402Y.
Identifiers: ClinVar variation 2879395 (VCV002879395.3), dbSNP rs761035128, ClinGen allele CA2632975.

ClinVar aggregate classification (germline): Uncertain significance (1 of 4 stars; one submission).

Allele frequency attached by ClinVar (database versions not stated): TOPMed 0.00002; ExAC 0.00006.
gnomAD v4.1: 10 of 1,605,284 alleles (0.00062%); highest among the groups gnomAD compares: Admixed American, 0.017%; no homozygotes.

Submission:

Labcorp Genetics (formerly Invitae), Labcorp
Classification: Uncertain significance. Last evaluated: 2023-12-30. Review status: criteria provided, single submitter. Criteria: Invitae Variant Classification Sherloc (09022015). Collection method: clinical testing. Allele origin: germline.
Comment: This sequence change replaces histidine, which is basic and polar, with tyrosine, which is neutral and polar, at codon 402 of the STAG1 protein (p.His402Tyr). This variant is present in population databases (rs761035128, gnomAD 0.03%). This variant has not been reported in the literature in individuals affected with STAG1-related conditions. An algorithm developed to predict the effect of missense changes on protein structure and function (PolyPhen-2) suggests that this variant is likely to be tolerated. In summary, the available evidence is currently insufficient to determine the role of this variant in disease. Therefore, it has been classified as a Variant of Uncertain Significance.